The following is an entry in ClinVar:

ClinVar aggregate classification (germline): Uncertain significance (1 of 4 stars; one submission).

Conditions:
Tatton-Brown-Rahman overgrowth syndrome. Also called: Tall stature-intellectual disability-facial dysmorphism syndrome; Tatton-Brown-Rahman syndrome. Identifiers: Orphanet 404443, MedGen C4014545, MONDO:0014382, OMIM 615879.

gnomAD v4.1: 2 of 1,581,712 alleles (0.00013%); highest among the groups gnomAD compares: Non-Finnish European, 0.00017%; no homozygotes.

Submission:

Labcorp Genetics (formerly Invitae), Labcorp
Classification: Uncertain significance for Tatton-Brown-Rahman overgrowth syndrome. Last evaluated: 2025-07-06. Review status: criteria provided, single submitter. Criteria: Invitae Variant Classification Sherloc (09022015). Collection method: clinical testing. Allele origin: germline.
Comment: This sequence change replaces glutamic acid, which is acidic and polar, with glycine, which is neutral and non-polar, at codon 152 of the DNMT3A protein (p.Glu152Gly). This variant is not present in population databases (gnomAD no frequency). This variant has not been reported in the literature in individuals affected with DNMT3A-related conditions. Invitae Evidence Modeling of protein sequence and biophysical properties (such as structural, functional, and spatial information, amino acid conservation, physicochemical variation, residue mobility, and thermodynamic stability) indicates that this missense variant is not expected to disrupt DNMT3A protein function with a negative predictive value of 95%. In summary, the available evidence is currently insufficient to determine the role of this variant in disease. Therefore, it has been classified as a Variant of Uncertain Significance.

NM_022552.5(DNMT3A):c.455A>G (p.Glu152Gly)

Genes: DNMT3A (DNA methyltransferase 3 alpha; minus strand), LOC129933290 (ATAC-STARR-seq lymphoblastoid active region 15445; plus strand). Cytogenetic location: 2p23.3.
Variant type: single nucleotide variant.
Coding change: c.455A>G on transcript NM_022552.5 (MANE Select); coding-DNA position 455, A replaced by G.
Protein change: p.Glu152Gly; replaces glutamic acid 152 with glycine.
Molecular consequence: missense variant. On other transcripts: non-coding transcript variant (1).
Genome position (GRCh38, 1-based): chr2:25,275,537, T>C on the plus strand (A>G on the coding strand, the complement: DNMT3A is on the minus strand). VCF-style: chr2-25275537-T-C. GRCh37 (hg19) VCF-style: chr2-25498406-T-C.
Other names: c.455A>G, p.Glu152Gly (NM_175629.2); short protein forms E152G.
Identifiers: ClinVar variation 4706707 (VCV004706707.1).
Genomic context (GRCh38, chr2:25,275,537, plus strand): 5'-GCCCCTGGGGGTGGAACACTTGCCTCCATTTTCATGGATTCGATGTTGGTCTCCTTCTGT[T>C]CTTTGCCTGTGGAGAGGGAAGAACAAAGGGACCAGTTCGTTGGTCGGCAGAATTACTGGA-3'
Protein context (NP_072046.2, residues 142-162): GRGAPAEAGK[Glu152Gly]QKETNIESMK